The following is an entry in ClinVar:

ClinVar aggregate classification (germline): Likely benign. Review status: criteria provided, multiple submitters, no conflicts (2 of 4 stars). 2 submissions from 2 submitters: Likely benign (2). Last evaluated 2025-11-29.

Conditions:
MAP1B-related disorder. Also called: MAP1B-related condition.
Inborn genetic diseases. Identifiers: MedGen C0950123, MeSH D030342.

gnomAD v4.1: 88 of 1,614,034 alleles (0.0055%); highest among the groups gnomAD compares: African/African-American, 0.12%; no homozygotes.

Submissions (2):

PreventionGenetics, part of Exact Sciences
Classification: Likely benign for MAP1B-related condition. Last evaluated: 2025-11-29. Review status: criteria provided, single submitter. Criteria: ACMG Guidelines, 2015. Collection method: clinical testing. Allele origin: germline.
Comment: This variant is classified as likely benign based on ACMG/AMP sequence variant interpretation guidelines (Richards et al. 2015 PMID: 25741868, with internal and published modifications).

Ambry Genetics
Classification: Likely benign for Inborn genetic diseases. Last evaluated: 2025-08-21. Review status: criteria provided, single submitter. Criteria: Ambry Variant Classification Scheme 2023. Collection method: clinical testing. Allele origin: germline.

NM_005909.5(MAP1B):c.5815T>C (p.Ser1939Pro)

Gene: MAP1B (microtubule associated protein 1B; plus strand). Cytogenetic location: 5q13.2.
Variant type: single nucleotide variant.
Coding change: c.5815T>C on transcript NM_005909.5 (MANE Select); coding-DNA position 5815, T replaced by C.
Protein change: p.Ser1939Pro; replaces serine 1939 with proline.
Molecular consequence: missense variant.
Genome position (GRCh38, 1-based): chr5:72,199,170, T>C. VCF-style: chr5-72199170-T-C. GRCh37 (hg19) VCF-style: chr5-71494997-T-C.
Other names: c.5437T>C, p.Ser1813Pro (NM_001324255.2); c.5815T>C (NM_005909.4); short protein forms S1813P, S1939P.
Identifiers: ClinVar variation 4103034 (VCV004103034.2).